The following is an entry in ClinVar:

ClinVar aggregate classification (germline): Uncertain significance (1 of 4 stars; one submission).

Submission:

Labcorp Genetics (formerly Invitae), Labcorp
Classification: Uncertain significance. Last evaluated: 2022-06-08. Review status: criteria provided, single submitter. Criteria: Invitae Variant Classification Sherloc (09022015). Collection method: clinical testing. Allele origin: germline.
Comment: In summary, the available evidence is currently insufficient to determine the role of this variant in disease. Therefore, it has been classified as a Variant of Uncertain Significance. Advanced modeling of protein sequence and biophysical properties (such as structural, functional, and spatial information, amino acid conservation, physicochemical variation, residue mobility, and thermodynamic stability) performed at Invitae indicates that this missense variant is not expected to disrupt MYO7A protein function. This variant has not been reported in the literature in individuals affected with MYO7A-related conditions. This variant is not present in population databases (gnomAD no frequency). This sequence change replaces lysine, which is basic and polar, with asparagine, which is neutral and polar, at codon 753 of the MYO7A protein (p.Lys753Asn).

NM_000260.4(MYO7A):c.2259A>T (p.Lys753Asn)

Gene: MYO7A (myosin VIIA; plus strand). Cytogenetic location: 11q13.5.
Variant type: single nucleotide variant.
Coding change: c.2259A>T on transcript NM_000260.4 (MANE Select); coding-DNA position 2259, A replaced by T.
Protein change: p.Lys753Asn; replaces lysine 753 with asparagine.
Molecular consequence: missense variant.
Genome position (GRCh38, 1-based): chr11:77,177,620, A>T. VCF-style: chr11-77177620-A-T. GRCh37 (hg19) VCF-style: chr11-76888666-A-T.
Other names: c.2259A>T, p.Lys753Asn (NM_001127180.2); c.2226A>T, p.Lys742Asn (NM_001369365.1); short protein forms K742N, K753N.
Identifiers: ClinVar variation 2125015 (VCV002125015.4), dbSNP rs2497127340, ClinGen allele CA381940578.
Genomic context (GRCh38, chr11:77,177,620, plus strand): 5'-CATGCTGCTGGAAGTGGAGCGGGACAAAGCCATCACCGACAGAGTCATCCTCCTTCAGAA[A>T]GTCATCCGGGGATTCAAAGACAGGTGCGTGTTCCCACCAGCTCCTCCCCTCCTCAGCCCA-3'
Protein context (NP_000251.3, residues 743-763): AITDRVILLQ[Lys753Asn]VIRGFKDRSN